The following is an entry in ClinVar:

NM_015046.7(SETX):c.7680C>G (p.Pro2560=)

Gene: SETX (senataxin; minus strand). Cytogenetic location: 9q34.13.
Variant type: single nucleotide variant.
Coding change: c.7680C>G on transcript NM_015046.7 (MANE Select); coding-DNA position 7680, C replaced by G.
Protein change: p.Pro2560=; no amino-acid change (proline 2560 retained).
Molecular consequence: synonymous variant.
Genome position (GRCh38, 1-based): chr9:132,264,593, G>C on the plus strand (C>G on the coding strand, the complement: SETX is on the minus strand). VCF-style: chr9-132264593-G-C. GRCh37 (hg19) VCF-style: chr9-135139980-G-C.
Other names: c.7680C>G, p.Pro2560= (NM_001351527.2); c.7767C>G, p.Pro2589= (NM_001351528.2).
Identifiers: ClinVar variation 4689632 (VCV004689632.1).
Genomic context (GRCh38, chr9:132,264,593, plus strand): 5'-AACGACAGGGAAGCCCGGCTCGCCCGTAGGAGGTGTTGCTCCAGGATGCTGGGGGCTCGA[G>C]GGTTGTGGATCCCAAAGGAATATTCCTCCTTTGACCTCAATGCCCATCCTCTTCAGCAGT-3'
Protein context (NP_055861.3, residues 2550-2570): KGGIFLWDPQ[Pro2560=]SSPQHPGATP

ClinVar aggregate classification (germline): Likely benign (1 of 4 stars; one submission).

gnomAD v4.1: 4 of 1,614,206 alleles (0.00025%); highest among the groups gnomAD compares: Non-Finnish European, 0.00034%; no homozygotes.

Submission:

Women's Health and Genetics/Laboratory Corporation of America, LabCorp
Classification: Likely benign. Last evaluated: 2026-01-05. Review status: criteria provided, single submitter. Criteria: LabCorp Variant Classification Summary - May 2015. Collection method: clinical testing. Allele origin: germline.
Comment: Variant summary: SETX c.7680C>G alters a conserved nucleotide resulting in a synonymous change. Consensus agreement among computation tools predict no significant impact on normal splicing. However, these predictions have yet to be confirmed by functional studies. The variant was absent in 251484 control chromosomes. The available data on variant occurrences in the general population are insufficient to allow any conclusion about variant significance. To our knowledge, no occurrence of c.7680C>G in individuals affected with SETX-related conditions and no experimental evidence demonstrating its impact on protein function have been reported. No submitters have cited clinical-significance assessments for this variant to ClinVar. Based on the evidence outlined above, the variant was classified as likely benign.